The following is an entry in ClinVar:

NM_005518.4(HMGCS2):c.866C>A (p.Pro289His)

Gene: HMGCS2 (3-hydroxy-3-methylglutaryl-CoA synthase 2; minus strand). Cytogenetic location: 1p12.
Variant type: single nucleotide variant.
Coding change: c.866C>A on transcript NM_005518.4 (MANE Select); coding-DNA position 866, C replaced by A.
Protein change: p.Pro289His; replaces proline 289 with histidine.
Molecular consequence: missense variant.
Genome position (GRCh38, 1-based): chr1:119,757,423, G>T on the plus strand (C>A on the coding strand, the complement: HMGCS2 is on the minus strand). VCF-style: chr1-119757423-G-T. GRCh37 (hg19) VCF-style: chr1-120300046-G-T.
Other names: c.866C>A (NM_005518.3); c.740C>A, p.Pro247His (NM_001166107.1); short protein forms P247H, P289H.
Identifiers: ClinVar variation 1435450 (VCV001435450.6), dbSNP rs146296049, ClinGen allele CA1037742.

ClinVar aggregate classification (germline): Conflicting classifications of pathogenicity. Review status: criteria provided, conflicting classifications (1 of 4 stars). 2 submissions from 2 submitters: Uncertain significance (1); Likely benign (1). Last evaluated 2022-08-12.

Conditions:
Inborn genetic diseases. Identifiers: MedGen C0950123, MeSH D030342.
3-hydroxy-3-methylglutaryl-CoA synthase deficiency (HMGCS2D). Also called: HMGCS2 DEFICIENCY; MITOCHONDRIAL HMG-CoA SYNTHASE DEFICIENCY; HMG-CoA synthase-2 deficiency. Identifiers: Orphanet 35701, MedGen C2751532, MONDO:0011614, OMIM 605911.

Allele frequency attached by ClinVar (database versions not stated): 1000 Genomes Project 30x 0.00016; 1000 Genomes Project 0.00020; ESP Exome Variant Server 0.00046.
gnomAD v4.1: 151 of 1,614,002 alleles (0.0094%); highest among the groups gnomAD compares: African/African-American, 0.18%; no homozygotes.

Submissions (2):

Labcorp Genetics (formerly Invitae), Labcorp
Classification: Uncertain significance for 3-hydroxy-3-methylglutaryl-CoA synthase deficiency. Last evaluated: 2022-08-12. Review status: criteria provided, single submitter. Criteria: Invitae Variant Classification Sherloc (09022015). Collection method: clinical testing. Allele origin: germline.
Comment: This sequence change replaces proline, which is neutral and non-polar, with histidine, which is basic and polar, at codon 289 of the HMGCS2 protein (p.Pro289His). This variant is present in population databases (rs146296049, gnomAD 0.2%). This variant has not been reported in the literature in individuals affected with HMGCS2-related conditions. ClinVar contains an entry for this variant (Variation ID: 1435450). Algorithms developed to predict the effect of missense changes on protein structure and function output the following: SIFT: "Deleterious"; PolyPhen-2: "Benign"; Align-GVGD: "Class C0". The histidine amino acid residue is found in multiple mammalian species, which suggests that this missense change does not adversely affect protein function. In summary, the available evidence is currently insufficient to determine the role of this variant in disease. Therefore, it has been classified as a Variant of Uncertain Significance.

Ambry Genetics
Classification: Likely benign for Inborn genetic diseases. Last evaluated: 2022-02-09. Review status: criteria provided, single submitter. Criteria: Ambry Variant Classification Scheme 2023. Collection method: clinical testing. Allele origin: germline.